The following is an entry in ClinVar:

ClinVar aggregate classification (germline): Uncertain significance. Review status: criteria provided, multiple submitters, no conflicts (2 of 4 stars). 5 submissions from 5 submitters: Uncertain significance (4). 1 of the submissions does not count toward it. Last evaluated 2024-05-16.

Conditions:
Retinitis pigmentosa 71 (RP71). Identifiers: Orphanet 791, MedGen C4225342, MONDO:0014618, OMIM 616394.
Short-rib thoracic dysplasia 10 with or without polydactyly (SRTD10). Identifiers: Orphanet 474, MedGen C3810175, MONDO:0014284, OMIM 615630.
Inborn genetic diseases. Identifiers: MedGen C0950123, MeSH D030342.
Bardet-Biedl syndrome 20. Identifiers: MedGen C4310707, MONDO:0023670, OMIM 619471, MONDO:0014926.
IFT172-related disorder. Also called: IFT172-related disorders; IFT172-related condition.

Allele frequency attached by ClinVar (database versions not stated): gnomAD 0.00003; ExAC 0.00004; TOPMed 0.00004; gnomAD exomes 0.00006 and 0.00011; ESP Exome Variant Server 0.00008.
gnomAD v4.1: 176 of 1,613,914 alleles (0.011%); highest among the groups gnomAD compares: Non-Finnish European, 0.013%; no homozygotes.

Submissions (5):

Blueprint Genetics
Classification: Uncertain significance. Last evaluated: 2024-05-16. Review status: criteria provided, single submitter. Criteria: ACMG Guidelines, 2015. Collection method: clinical testing. Allele origin: germline.

Fulgent Genetics
Classification: Uncertain significance for Short-rib thoracic dysplasia 10 with or without polydactyly; Retinitis pigmentosa 71; Bardet-Biedl syndrome 20. Last evaluated: 2024-02-07. Review status: criteria provided, single submitter. Criteria: ACMG Guidelines, 2015. Collection method: clinical testing. Allele origin: germline.

Labcorp Genetics (formerly Invitae), Labcorp
Classification: Uncertain significance for Retinitis pigmentosa 71; Short-rib thoracic dysplasia 10 with or without polydactyly. Last evaluated: 2022-10-13. Review status: criteria provided, single submitter. Criteria: Invitae Variant Classification Sherloc (09022015). Collection method: clinical testing. Allele origin: germline.
Comment: This sequence change replaces asparagine, which is neutral and polar, with aspartic acid, which is acidic and polar, at codon 478 of the IFT172 protein (p.Asn478Asp). This variant is present in population databases (rs374979653, gnomAD 0.01%). This variant has not been reported in the literature in individuals affected with IFT172-related conditions. ClinVar contains an entry for this variant (Variation ID: 956338). Advanced modeling of protein sequence and biophysical properties (such as structural, functional, and spatial information, amino acid conservation, physicochemical variation, residue mobility, and thermodynamic stability) performed at Invitae indicates that this missense variant is not expected to disrupt IFT172 protein function. In summary, the available evidence is currently insufficient to determine the role of this variant in disease. Therefore, it has been classified as a Variant of Uncertain Significance.

Ambry Genetics
Classification: Uncertain significance for Inborn genetic diseases. Last evaluated: 2022-03-23. Review status: criteria provided, single submitter. Criteria: Ambry Variant Classification Scheme 2023. Collection method: clinical testing. Allele origin: germline.

PreventionGenetics, part of Exact Sciences
Classification: Uncertain significance for IFT172-related condition. Last evaluated: 2024-08-06. Review status: no assertion criteria provided. Collection method: clinical testing. Allele origin: germline. Not counted in ClinVar's aggregate classification.
Comment: The IFT172 c.1432A>G variant is predicted to result in the amino acid substitution p.Asn478Asp. To our knowledge, this variant has not been reported in the literature. This variant is reported in 0.012% of alleles in individuals of European (Non-Finnish) descent in gnomAD. At this time, the clinical significance of this variant is uncertain due to the absence of conclusive functional and genetic evidence.

NM_015662.3(IFT172):c.1432A>G (p.Asn478Asp)

Gene: IFT172 (intraflagellar transport 172; minus strand). Cytogenetic location: 2p23.3.
Variant type: single nucleotide variant.
Coding change: c.1432A>G on transcript NM_015662.3 (MANE Select); coding-DNA position 1432, A replaced by G.
Protein change: p.Asn478Asp; replaces asparagine 478 with aspartic acid.
Molecular consequence: missense variant.
Genome position (GRCh38, 1-based): chr2:27,472,342, T>C on the plus strand (A>G on the coding strand, the complement: IFT172 is on the minus strand). VCF-style: chr2-27472342-T-C. GRCh37 (hg19) VCF-style: chr2-27695209-T-C.
Other names: c.1432A>G (NM_015662.1); short protein forms N478D.
Identifiers: ClinVar variation 956338 (VCV000956338.11), dbSNP rs374979653, ClinGen allele CA1580646.